The following is an entry in ClinVar:

NM_001129.5(AEBP1):c.2939T>G (p.Phe980Cys)

Gene: AEBP1 (AE binding protein 1; plus strand). Cytogenetic location: 7p13.
Variant type: single nucleotide variant.
Coding change: c.2939T>G on transcript NM_001129.5 (MANE Select); coding-DNA position 2939, T replaced by G.
Protein change: p.Phe980Cys; replaces phenylalanine 980 with cysteine.
Molecular consequence: missense variant.
Genome position (GRCh38, 1-based): chr7:44,113,723, T>G. VCF-style: chr7-44113723-T-G. GRCh37 (hg19) VCF-style: chr7-44153322-T-G.
Other names: short protein forms F980C.
Identifiers: ClinVar variation 4848587 (VCV004848587.1).

ClinVar aggregate classification (germline): Uncertain significance (1 of 4 stars; one submission).

Submission:

Women's Health and Genetics/Laboratory Corporation of America, LabCorp
Classification: Uncertain significance. Last evaluated: 2026-04-14. Review status: criteria provided, single submitter. Criteria: LabCorp Variant Classification Summary - May 2015. Collection method: clinical testing. Allele origin: germline.
Comment: Variant summary: AEBP1 c.2939T>G (p.Phe980Cys) results in a non-conservative amino acid change in the encoded protein sequence. Algorithms developed to predict the effect of missense changes on protein structure and function are either unavailable or do not agree on the potential impact of this missense change. The variant was absent in 251396 control chromosomes. The available data on variant occurrences in the general population are insufficient to allow any conclusion about variant significance. To our knowledge, no occurrence of c.2939T>G in individuals affected with AEBP1-related conditions and no experimental evidence demonstrating its impact on protein function have been reported. No submitters have cited clinical-significance assessments for this variant to ClinVar. Based on the evidence outlined above, the variant was classified as uncertain significance.